The following is an entry in ClinVar:

NM_000245.4(MET):c.909G>A (p.Lys303=)

Gene: MET (MET proto-oncogene, receptor tyrosine kinase; plus strand). Cytogenetic location: 7q31.2.
Variant type: single nucleotide variant.
Coding change: c.909G>A on transcript NM_000245.4 (MANE Select); coding-DNA position 909, G replaced by A.
Protein change: p.Lys303=; no amino-acid change (lysine 303 retained).
Molecular consequence: synonymous variant. On other transcripts: intron variant (1).
Genome position (GRCh38, 1-based): chr7:116,699,993, G>A. VCF-style: chr7-116699993-G-A. GRCh37 (hg19) VCF-style: chr7-116340047-G-A.
Other names: c.909G>A, p.Lys303= (NM_001127500.3, NM_001324401.3); c.-91+27416G>A (NM_001324402.2).
Identifiers: ClinVar variation 3773397 (VCV003773397.1).

ClinVar aggregate classification (germline): Benign (1 of 4 stars; one submission).

Conditions:
Papillary renal cell carcinoma type 1 (RCCP1). Also called: Renal adenocarcinoma; Renal cell carcinoma 1; Renal cell carcinoma, somatic; RENAL CELL CARCINOMA, PAPILLARY, 1, SOMATIC. Identifiers: Orphanet 47044, MedGen C1336839, OMIM 605074, HP:0011797.

Submission:

Myriad Genetics, Inc.
Classification: Benign for Papillary renal cell carcinoma type 1. Last evaluated: 2024-11-06. Review status: criteria provided, single submitter. Criteria: Myriad Autosomal Dominant, Autosomal Recessive and X-Linked Classification Criteria (2023). Collection method: clinical testing. Allele origin: unknown.
Comment: This variant is considered benign. This variant is a silent/synonymous amino acid change and it is not expected to impact splicing.